The following is an entry in ClinVar:

NM_007059.4(KPTN):c.1167C>T (p.Gly389=)

Gene: KPTN (kaptin, actin binding protein; minus strand). Cytogenetic location: 19q13.32.
Variant type: single nucleotide variant.
Coding change: c.1167C>T on transcript NM_007059.4 (MANE Select); coding-DNA position 1167, C replaced by T.
Protein change: p.Gly389=; no amino-acid change (glycine 389 retained).
Molecular consequence: synonymous variant. On other transcripts: non-coding transcript variant (1).
Genome position (GRCh38, 1-based): chr19:47,476,547, G>A on the plus strand (C>T on the coding strand, the complement: KPTN is on the minus strand). VCF-style: chr19-47476547-G-A. GRCh37 (hg19) VCF-style: chr19-47979804-G-A.
Other names: c.999C>T, p.Gly333= (NM_001291296.2).
Identifiers: ClinVar variation 444477 (VCV000444477.50), dbSNP rs562237338, ClinGen allele CA9540200.
Genomic context (GRCh38, chr19:47,476,547, plus strand): 5'-AACTGCTGAGGTCGACTCCCCTCCCACCCCAAGAGCTGGGGATACCTGCAGGATGTGCAC[G>A]CCCTTCAGGGAGACCACGGCAAGCTCCTGCAGCCCATCCCCGGTCAGGTCCACGTGAGCC-3'
Protein context (NP_008990.2, residues 379-399): LQELAVVSLK[Gly389=]VHILQHSLIQ

ClinVar aggregate classification (germline): Likely benign. Review status: criteria provided, multiple submitters, no conflicts (2 of 4 stars). 3 submissions from 3 submitters: Likely benign (3). Last evaluated 2024-07-24.

Conditions:
Macrocephaly-developmental delay syndrome (MRT41). Also called: INTELLECTUAL DEVELOPMENTAL DISORDER, AUTOSOMAL RECESSIVE 41. Identifiers: Orphanet 397612, MedGen C3810225, MONDO:0014289, OMIM 615637.

Allele frequency attached by ClinVar (database versions not stated): TOPMed 0.00001; gnomAD 0.00003; 1000 Genomes Project 30x 0.00016; 1000 Genomes Project 0.00020.
gnomAD v4.1: 49 of 1,607,662 alleles (0.003%); highest among the groups gnomAD compares: South Asian, 0.035%; no homozygotes.

Submissions (3):

Blueprint Genetics
Classification: Likely benign. Last evaluated: 2024-07-24. Review status: criteria provided, single submitter. Criteria: ACMG Guidelines, 2015. Collection method: clinical testing. Allele origin: germline.

CeGaT Center for Human Genetics Tuebingen
Classification: Likely benign. Last evaluated: 2024-07-01. Review status: criteria provided, single submitter. Criteria: CeGaT Center For Human Genetics Tuebingen Variant Classification Criteria Version 2. Collection method: clinical testing. Allele origin: germline. Affected: yes. Observed: 2 variant alleles.
Comment: KPTN: BP4, BP7

Labcorp Genetics (formerly Invitae), Labcorp
Classification: Likely benign for Macrocephaly-developmental delay syndrome. Last evaluated: 2024-02-23. Review status: criteria provided, single submitter. Criteria: Invitae Variant Classification Sherloc (09022015). Collection method: clinical testing. Allele origin: germline.